The following is an entry in ClinVar:

ClinVar aggregate classification (germline): Uncertain significance (1 of 4 stars; one submission).

Conditions:
MGAT2-congenital disorder of glycosylation. Also called: MENTAL RETARDATION, GROWTH RETARDATION, PROMINENT COLUMELLA, AND OPEN MOUTH; Alkuraya syndrome; Congenital disorder of glycosylation, type IIa; MGAT2-CDG; CDG IIa. Identifiers: Orphanet 79329, MedGen C2931008, MONDO:0008908, OMIM 212066.

Allele frequency attached by ClinVar (database versions not stated): gnomAD below 0.00001 and 0.00002; TOPMed below 0.00001; ExAC 0.00002; gnomAD exomes 0.00002.

Submission:

Baylor Genetics
Classification: Uncertain significance for MGAT2-congenital disorder of glycosylation. Last evaluated: 2020-06-03. Review status: criteria provided, single submitter. Criteria: ACMG Guidelines, 2015. Collection method: clinical testing. Allele origin: unknown. Affected: yes.
Comment: This variant was determined to be of uncertain significance according to ACMG Guidelines, 2015 [PMID:25741868].

NM_002408.4(MGAT2):c.509G>A (p.Cys170Tyr)

Gene: MGAT2 (alpha-1,6-mannosyl-glycoprotein 2-beta-N-acetylglucosaminyltransferase; plus strand). Cytogenetic location: 14q21.3.
Variant type: single nucleotide variant.
Coding change: c.509G>A on transcript NM_002408.4 (MANE Select); coding-DNA position 509, G replaced by A.
Protein change: p.Cys170Tyr; replaces cysteine 170 with tyrosine.
Molecular consequence: missense variant.
Genome position (GRCh38, 1-based): chr14:49,621,777, G>A. VCF-style: chr14-49621777-G-A. GRCh37 (hg19) VCF-style: chr14-50088495-G-A.
Other names: short protein forms C170Y.
Identifiers: ClinVar variation 1029594 (VCV001029594.1), dbSNP rs751276217, ClinGen allele CA7172562.